The following is an entry in ClinVar:

ClinVar aggregate classification (germline): Uncertain significance (1 of 4 stars; one submission).

Conditions:
Glycogen storage disease IXb (GSD9B). Also called: GLYCOGENOSIS OF LIVER AND MUSCLE, AUTOSOMAL RECESSIVE; GSD IXb; PHOSPHORYLASE KINASE DEFICIENCY OF LIVER AND MUSCLE, AUTOSOMAL RECESSIVE. Identifiers: Orphanet 79240, MedGen C0543514, MONDO:0009868, OMIM 261750.

gnomAD v4.1: 72 of 1,614,006 alleles (0.0045%); highest among the groups gnomAD compares: Non-Finnish European, 0.0055%; no homozygotes.

Submission:

Labcorp Genetics (formerly Invitae), Labcorp
Classification: Uncertain significance for Glycogen storage disease IXb. Last evaluated: 2021-09-26. Review status: criteria provided, single submitter. Criteria: Invitae Variant Classification Sherloc (09022015). Collection method: clinical testing. Allele origin: germline.
Comment: This sequence change replaces arginine with histidine at codon 928 of the PHKB protein (p.Arg928His). The arginine residue is highly conserved and there is a small physicochemical difference between arginine and histidine. This variant is present in population databases (rs556303193, ExAC 0.009%). This variant has not been reported in the literature in individuals affected with PHKB-related conditions. Algorithms developed to predict the effect of missense changes on protein structure and function (SIFT, PolyPhen-2, Align-GVGD) all suggest that this variant is likely to be disruptive. In summary, the available evidence is currently insufficient to determine the role of this variant in disease. Therefore, it has been classified as a Variant of Uncertain Significance.

NM_000293.3(PHKB):c.2783G>A (p.Arg928His)

Gene: PHKB (phosphorylase kinase regulatory subunit beta; plus strand). Cytogenetic location: 16q12.1.
Variant type: single nucleotide variant.
Coding change: c.2783G>A on transcript NM_000293.3 (MANE Select); coding-DNA position 2783, G replaced by A.
Protein change: p.Arg928His; replaces arginine 928 with histidine.
Molecular consequence: missense variant.
Genome position (GRCh38, 1-based): chr16:47,693,395, G>A. VCF-style: chr16-47693395-G-A. GRCh37 (hg19) VCF-style: chr16-47727306-G-A.
Other names: c.2762G>A, p.Arg921His (NM_001031835.3); c.2783G>A, p.Arg928His (NM_001363837.1); short protein forms R921H, R928H.
Identifiers: ClinVar variation 1397997 (VCV001397997.3), dbSNP rs556303193, ClinGen allele CA8041332.
Genomic context (GRCh38, chr16:47,693,395, plus strand): 5'-CAAGCTTGTTCTTCAACTCTGAGACATTTGCCTTTTGTTACAGATGTTGGCTGAACAGGC[G>A]TCAGATCGATGGGTCTTTGAATAGAACTCCCACCGGGTTCTATGACCGAGTGTGGCAGAT-3'
Protein context (NP_000284.1, residues 918-938): QQNGRCWLNR[Arg928His]QIDGSLNRTP